The following is an entry in ClinVar:

ClinVar aggregate classification (germline): Uncertain significance. Review status: criteria provided, multiple submitters, no conflicts (2 of 4 stars). 2 submissions from 2 submitters: Uncertain significance (2). Last evaluated 2024-07-10.

Conditions:
Long QT syndrome (LQTS). Identifiers: MedGen C0023976, MeSH D008133, MONDO:0002442. Disease mechanism: loss of function. Inheritance: Various modes of inheritance.
Cardiac arrhythmia. Also called: Arrhythmia; Cardiac rhythm disease. Identifiers: MedGen C0003811, MONDO:0007263, HP:0011675.

Allele frequency attached by ClinVar (database versions not stated): gnomAD exomes below 0.00001.
gnomAD v4.1: 5 of 1,577,812 alleles (0.00032%); highest among the groups gnomAD compares: Non-Finnish European, 0.00034%; no homozygotes.

Submissions (2):

Color Diagnostics, LLC DBA Color Health
Classification: Uncertain significance for Cardiac arrhythmia. Last evaluated: 2024-07-10. Review status: criteria provided, single submitter. Criteria: ACMG Guidelines, 2015. Collection method: clinical testing. Allele origin: germline.
Comment: This variant is located in the 5' untranslated region of the KCNH2 gene. To our knowledge, functional studies have not been reported for this variant. This variant has not been reported in individuals affected with KCNH2-related disorders in the literature. This variant has not been identified in the general population by the Genome Aggregation Database (gnomAD). The available evidence is insufficient to determine the role of this variant in disease conclusively. Therefore, this variant is classified as a Variant of Uncertain Significance.

All of Us Research Program, National Institutes of Health
Classification: Uncertain significance for Long QT syndrome. Last evaluated: 2024-01-11. Review status: criteria provided, single submitter. Criteria: ACMG Guidelines, 2015. Collection method: clinical testing. Allele origin: germline. Inheritance: Autosomal dominant inheritance. Observed: 8 variant alleles, 8 heterozygotes.
Comment: This variant is located in the 5' untranslated region of the KCNH2 gene. To our knowledge, functional studies have not been reported for this variant. This variant has not been reported in individuals affected with cardiovascular disorders in the literature. This variant has not been identified in the general population by the Genome Aggregation Database (gnomAD). The available evidence is insufficient to determine the role of this variant in disease conclusively. Therefore, this variant is classified as a Variant of Uncertain Significance.

This study involves interpretation of variants in research participants for the purpose of population health screening. Participant phenotype was not available at the time of variant classification. Additional details can be found in publication PMID: 35346344, PMCID: PMC8962531

NM_000238.4(KCNH2):c.-10T>G

Gene: KCNH2 (potassium voltage-gated channel subfamily H member 2; minus strand). Cytogenetic location: 7q36.1.
Variant type: single nucleotide variant.
Coding change: c.-10T>G on transcript NM_000238.4 (MANE Select); 10 bases upstream of the start codon, T replaced by G.
Molecular consequence: 5 prime UTR variant. On other transcripts: non-coding transcript variant (1).
Genome position (GRCh38, 1-based): chr7:150,977,923, A>C on the plus strand (T>G on the coding strand, the complement: KCNH2 is on the minus strand). VCF-style: chr7-150977923-A-C. GRCh37 (hg19) VCF-style: chr7-150675011-A-C.
Other names: c.-10T>G (NM_172056.3).
Identifiers: ClinVar variation 2773460 (VCV002773460.3), dbSNP rs2486167606, ClinGen allele CA2685607679.
Genomic context (GRCh38, chr7:150,977,923, plus strand): 5'-GGTGTCCAGGAAGGTGTTCTGCGGCGCGACGTGGCCCCTCCGCACCGGCATCCTGAGCCC[A>C]TGGGCGGGCCGGGCGGGCCCCCACCCACCCCGGCCCGGCCCGGCCCAGCACTAGGCTTCG-3'